The following is an entry in ClinVar:

NC_000009.11:g.(?_6610182)_(6620329_?)del

Gene: GLDC (glycine decarboxylase; minus strand). Cytogenetic location: 9p24.1.
Variant type: Deletion.
Identifiers: ClinVar variation 1074248 (VCV001074248.10).

ClinVar aggregate classification (germline): Pathogenic (1 of 4 stars; one submission).

Conditions:
Glycine encephalopathy. Also called: Nonketotic hyperglycinemia; Non-ketotic hyperglycinemia. Identifiers: Orphanet 407, MedGen C0751748, MONDO:0011612, HP:0008288.

Submission:

Labcorp Genetics (formerly Invitae), Labcorp
Classification: Pathogenic for Glycine encephalopathy. Last evaluated: 2022-09-15. Review status: criteria provided, single submitter. Criteria: Invitae Variant Classification Sherloc (09022015). Collection method: clinical testing. Allele origin: germline.
Comment: This variant is a gross deletion of the genomic region encompassing exon(s) 3-4 of the GLDC gene. This deletion is out-of-frame, and is expected to create a premature termination codon and result in an absent or disrupted protein product. Loss-of-function variants in GLDC are known to be pathogenic (PMID: 16601880). A similar copy number variant has been observed in individual(s) with non-ketotic hyperglycemia (PMID: 17361008). For these reasons, this variant has been classified as Pathogenic.

Literature cited by the submitters: PubMed 16601880; PubMed 17361008.